The following is an entry in ClinVar:

NM_002890.3(RASA1):c.288_308del (p.93AGVAGAA[1])

Gene: RASA1 (RAS p21 protein activator 1; plus strand). Cytogenetic location: 5q14.3.
Variant type: Deletion.
Coding change: c.288_308del on transcript NM_002890.3 (MANE Select); coding-DNA positions 288 to 308, 21 bases deleted (TGGTGCTGCTGCTGGCGTGGC).
Protein change: p.93AGVAGAA[1].
Molecular consequence: inframe deletion.
Genome position (GRCh38, 1-based): chr5:87,268,739-87,268,759, TGGTGCTGCTGCTGGCGTGGC deleted; deleting any 21 consecutive bases within chr5:87,268,737-87,268,759 gives the same sequence; the c. name uses the placement nearest the transcript's 3' end. VCF-style (leftmost placement, unchanged base first): chr5-87268736-AGCTGGTGCTGCTGCTGGCGTG-A. GRCh37 (hg19) VCF-style: chr5-86564553-AGCTGGTGCTGCTGCTGGCGTG-A.
Identifiers: ClinVar variation 2148306 (VCV002148306.4), dbSNP rs1753683998, ClinGen allele CA1561547415.
Genomic context (GRCh38, chr5:87,268,736, plus strand): 5'-GTCTGTGGCAGGGGCACTGGGGGGAGCTGGACTGACAGGGGGAGGTACTGCTGCTGGCGT[AGCTGGTGCTGCTGCTGGCGTG>A]GCCGGTGCTGCTGTTGCTGGACCTAGTGGAGACATGGCTCTCACCAAACTGCCCACTTCG-3'

ClinVar aggregate classification (germline): Uncertain significance (1 of 4 stars; one submission).

Conditions:
Capillary malformation-arteriovenous malformation syndrome. Also called: Capillary malformation-arteriovenous malformation. Identifiers: Orphanet 137667, MedGen C1842180, MONDO:0012016.

Submission:

Labcorp Genetics (formerly Invitae), Labcorp
Classification: Uncertain significance for Capillary malformation-arteriovenous malformation syndrome. Last evaluated: 2024-01-22. Review status: criteria provided, single submitter. Criteria: Invitae Variant Classification Sherloc (09022015). Collection method: clinical testing. Allele origin: germline.
Comment: This variant, c.288_308del, results in the deletion of 7 amino acid(s) of the RASA1 protein (p.Ala100_Ala106del), but otherwise preserves the integrity of the reading frame. This variant is not present in population databases (gnomAD no frequency). This variant has been observed in individual(s) with vascular malformation or hemangiomas (PMID: 28655553). ClinVar contains an entry for this variant (Variation ID: 2148306). In summary, the available evidence is currently insufficient to determine the role of this variant in disease. Therefore, it has been classified as a Variant of Uncertain Significance.

Literature cited by the submitters: PubMed 28655553.